The following is an entry in ClinVar:

NM_002474.3(MYH11):c.4578+1G>A

Genes: MYH11 (myosin heavy chain 11; minus strand), NDE1 (nudE neurodevelopment protein 1; plus strand). Cytogenetic location: 16p13.11.
Variant type: single nucleotide variant.
Coding change: c.4578+1G>A on transcript NM_002474.3 (MANE Select); the canonical splice donor site of the intron after coding-DNA position 4578, G replaced by A.
Molecular consequence: splice donor variant. On other transcripts: intron variant (2).
Genome position (GRCh38, 1-based): chr16:15,721,421, C>T on the plus strand (G>A on the coding strand, the complement: MYH11 is on the minus strand). VCF-style: chr16-15721421-C-T. GRCh37 (hg19) VCF-style: chr16-15815278-C-T.
Other names: c.948-2770C>T (NM_001143979.2, NM_017668.3); c.4578+1G>A (NM_022844.3); c.4599+1G>A (NM_001040114.2, NM_001040113.2).
Identifiers: ClinVar variation 372759 (VCV000372759.23), dbSNP rs397514037, ClinGen allele CA16043053.
Genomic context (GRCh38, chr16:15,721,421, plus strand): 5'-GAATAGCACAGAGGGTGGGCAGGCGAAACATGGACGAGAAAAACCACCCAGAGCCACTTA[C>T]GTTCTTGCCCACGTCATCCTTGGAGCTGACCAGGTCTTCCATTTCGGCTTTGAGCATTTT-3'

ClinVar aggregate classification (germline): Pathogenic/Likely pathogenic. Review status: criteria provided, multiple submitters, no conflicts (2 of 4 stars). 6 submissions from 6 submitters: Pathogenic (3); Likely pathogenic (3). Last evaluated 2025-12-03.

Conditions:
MYH11-related disorder. Also called: MYH11-related condition.
Familial thoracic aortic aneurysm and aortic dissection (TAAD). Also called: Thoracic aortic aneurysms and dissections. Identifiers: Orphanet 91387, MedGen C4707243, MONDO:0019625.
Aortic aneurysm, familial thoracic 4 (AAT4). Also called: AORTIC ANEURYSM/AORTIC DISSECTION AND PATENT DUCTUS ARTERIOSUS. Identifiers: MedGen C1851504, MONDO:0007568, OMIM 132900.

Submissions (6):

Ambry Genetics
Classification: Likely pathogenic for Familial thoracic aortic aneurysm and aortic dissection. Last evaluated: 2025-12-03. Review status: criteria provided, single submitter. Criteria: Ambry Variant Classification Scheme 2023. Collection method: clinical testing. Allele origin: germline.
Comment: The c.4578+1G>A intronic variant results from a G to A substitution one nucleotide after coding exon 31 of the MYH11 gene. Alterations that disrupt the canonical splice site are expected to result in aberrant splicing. In silico splice site analysis predicts that this alteration will weaken the native splice donor site and will result in the creation or strengthening of a novel splice donor site. A resulting transcript is predicted to be in-frame and is not expected to trigger nonsense-mediated mRNAdecay; although, direct evidence is unavailable. This variant was reported in individual(s) with thoracic aortic aneurysm and dissection (TAAD) (Renard M et al. Int. J. Cardiol., 2013 May;165:314-21; Yang H et al. Sci Rep, 2016 09;6:33002; Yang H et al. J Thorac Cardiovasc Surg, 2023 Dec;166:1594-1603.e5; Ambry internal data; external communication). Note, this variant is also referred to as c.4599+1G>A and IVS32+1G>A in the literature. This variant is considered to be rare based on population cohorts in the Genome Aggregation Database (gnomAD). This nucleotide position is highly conserved in available vertebrate species. Based on the majority of available evidence to date, this variant is likely to be pathogenic for autosomal dominant TAAD; however, its clinical significance for autosomal recessive megacystis-microcolon-intestinal hypoperistalsis syndrome is uncertain.

CeGaT Center for Human Genetics Tuebingen
Classification: Likely pathogenic. Last evaluated: 2025-07-01. Review status: criteria provided, single submitter. Criteria: CeGaT Center For Human Genetics Tuebingen Variant Classification Criteria Version 2. Collection method: clinical testing. Allele origin: germline. Affected: yes. Observed: 1 variant allele.
Comment: MYH11: PM2, PS4:Moderate, PVS1:Moderate, PS1:Supporting

Labcorp Genetics (formerly Invitae), Labcorp
Classification: Pathogenic for Aortic aneurysm, familial thoracic 4. Last evaluated: 2024-05-04. Review status: criteria provided, single submitter. Criteria: Invitae Variant Classification Sherloc (09022015). Collection method: clinical testing. Allele origin: germline.
Comment: This sequence change affects a donor splice site in intron 33 of the MYH11 gene. It is expected to disrupt RNA splicing. Variants that disrupt the donor or acceptor splice site typically lead to a loss of protein function (PMID: 16199547), however the current clinical and genetic evidence is not sufficient to establish whether loss-of-function variants in MYH11 cause disease. This variant is not present in population databases (gnomAD no frequency). Disruption of this splice site has been observed in individuals with autosomal dominant thoracic aortic aneurysm/dissection (PMID: 16444274, 21937134, 27611364). This variant is also known as IVS32+1G>A. ClinVar contains an entry for this variant (Variation ID: 372759). Algorithms developed to predict the effect of sequence changes on RNA splicing suggest that this variant may disrupt the consensus splice site. For these reasons, this variant has been classified as Pathogenic.

CHEO Genetics Diagnostic Laboratory, Children's Hospital of Eastern Ontario
Classification: Likely pathogenic for Familial thoracic aortic aneurysm and aortic dissection. Last evaluated: 2021-10-05. Review status: criteria provided, single submitter. Criteria: ACMG Guidelines, 2015. Collection method: clinical testing. Allele origin: germline.

GeneDx
Classification: Pathogenic. Last evaluated: 2020-09-17. Review status: criteria provided, single submitter. Criteria: GeneDx Variant Classification Process June 2021. Collection method: clinical testing. Allele origin: germline. Affected: yes.
Comment: Reported in ClinVar as a pathogenic variant (ClinVar Variant ID# 372759; Landrum et al., 2016); Not observed in large population cohorts (Lek et al., 2016); Canonical splice site variant predicted to destroy the canonical splice donor site in intron 32 and is predicted to cause an in-frame deletion; This variant is associated with the following publications: (PMID: 32037394, 21937134, 27611364, 16444274)

Blueprint Genetics
Classification: Pathogenic for MYH11-related disorders. Last evaluated: 2019-09-23. Review status: criteria provided, single submitter. Criteria: ACMG Guidelines, 2015. Collection method: clinical testing. Allele origin: germline. Affected: yes. Observed: 1 variant allele.

Literature cited by the submitters: PubMed 21937134 (cited by Ambry Genetics and Labcorp Genetics (formerly Invitae), Labcorp); PubMed 27611364 (cited by Ambry Genetics and Labcorp Genetics (formerly Invitae), Labcorp); PubMed 36517271 (cited by Ambry Genetics); PubMed 16199547 (cited by Labcorp Genetics (formerly Invitae), Labcorp); PubMed 16444274 (cited by Labcorp Genetics (formerly Invitae), Labcorp).